The following is an entry in ClinVar:

NM_001347721.2(DYRK1A):c.1436A>C (p.Asn479Thr)

Gene: DYRK1A (dual specificity tyrosine phosphorylation regulated kinase 1A; plus strand). Cytogenetic location: 21q22.13.
Variant type: single nucleotide variant.
Coding change: c.1436A>C on transcript NM_001347721.2 (MANE Select); coding-DNA position 1436, A replaced by C.
Protein change: p.Asn479Thr; replaces asparagine 479 with threonine.
Molecular consequence: missense variant.
Genome position (GRCh38, 1-based): chr21:37,505,506, A>C. VCF-style: chr21-37505506-A-C. GRCh37 (hg19) VCF-style: chr21-38877809-A-C.
Other names: c.1349A>C, p.Asn450Thr (NM_001347723.2); c.1463A>C, p.Asn488Thr (NM_001396.5, NM_101395.2, NM_130438.2); c.1436A>C, p.Asn479Thr (NM_130436.2, NM_001347722.2); short protein forms N479T, N488T, N450T.
Identifiers: ClinVar variation 1037951 (VCV001037951.9), dbSNP rs2053569503, ClinGen allele CA409938588.

ClinVar aggregate classification (germline): Uncertain significance (1 of 4 stars; one submission).

Conditions:
DYRK1A-related intellectual disability syndrome (MRD7). Also called: DYRK1A Syndrome; Intellectual developmental disorder, autosomal dominant 7. Identifiers: Orphanet 464306, MedGen C5568143, MONDO:0013578, OMIM 614104.

Submission:

Labcorp Genetics (formerly Invitae), Labcorp
Classification: Uncertain significance for DYRK1A-related intellectual disability syndrome. Last evaluated: 2020-09-03. Review status: criteria provided, single submitter. Criteria: Invitae Variant Classification Sherloc (09022015). Collection method: clinical testing. Allele origin: germline.
Comment: This variant has not been reported in the literature in individuals with DYRK1A-related conditions. Advanced modeling of protein sequence and biophysical properties (such as structural, functional, and spatial information, amino acid conservation, physicochemical variation, residue mobility, and thermodynamic stability) performed at Invitae indicates that this missense variant is not expected to disrupt DYRK1A protein function. In summary, the available evidence is currently insufficient to determine the role of this variant in disease. Therefore, it has been classified as a Variant of Uncertain Significance. This variant is not present in population databases (ExAC no frequency). This sequence change replaces asparagine with threonine at codon 488 of the DYRK1A protein (p.Asn488Thr). The asparagine residue is highly conserved and there is a small physicochemical difference between asparagine and threonine.